The following is an entry in ClinVar:

NM_001903.5(CTNNA1):c.476A>G (p.Asp159Gly)

Gene: CTNNA1 (catenin alpha 1; plus strand). Cytogenetic location: 5q31.2.
Variant type: single nucleotide variant.
Coding change: c.476A>G on transcript NM_001903.5 (MANE Select); coding-DNA position 476, A replaced by G.
Protein change: p.Asp159Gly; replaces aspartic acid 159 with glycine.
Molecular consequence: missense variant.
Genome position (GRCh38, 1-based): chr5:138,812,190, A>G. VCF-style: chr5-138812190-A-G. GRCh37 (hg19) VCF-style: chr5-138147879-A-G.
Other names: c.476A>G, p.Asp159Gly (NM_001290307.3, NM_001323982.2, NM_001323983.1 and 3 more transcripts); c.167A>G, p.Asp56Gly (NM_001290309.3); c.107A>G, p.Asp36Gly (NM_001290310.3); short protein forms D56G, D36G, D159G.
Identifiers: ClinVar variation 639413 (VCV000639413.12), dbSNP rs533573408, ClinGen allele CA3431467.
Genomic context (GRCh38, chr5:138,812,190, plus strand): 5'-TTACAGACCTACATTCAGAATTTTTGGGTTTTGGGGTCTTTCTTATTTTATAGGTGGAAG[A>G]TGGTATCTTGAAGTTGAGGAATGCTGGCAATGAACAAGACTTAGGAATCCAGTATAAAGC-3'
Protein context (NP_001894.2, residues 149-169): KLLVQLKVVE[Asp159Gly]GILKLRNAGN

ClinVar aggregate classification (germline): Conflicting classifications of pathogenicity. Review status: criteria provided, conflicting classifications (1 of 4 stars). 3 submissions from 3 submitters: Uncertain significance (2); Likely benign (1). Last evaluated 2026-01-06.

Conditions:
Hereditary cancer-predisposing syndrome. Also called: Neoplastic Syndromes, Hereditary; Tumor predisposition; Hereditary Cancer Syndrome; Hereditary neoplastic syndrome. Identifiers: Orphanet 140162, MedGen C0027672, MeSH D009386, MONDO:0015356.

Allele frequency attached by ClinVar (database versions not stated): gnomAD exomes below 0.00001 and 0.00002; ExAC 0.00003; gnomAD 0.00003; TOPMed 0.00004; 1000 Genomes Project 30x 0.00016; 1000 Genomes Project 0.00020.
gnomAD v4.1: 11 of 1,613,378 alleles (0.00068%); highest among the groups gnomAD compares: African/African-American, 0.015%; no homozygotes.

Submissions (3):

Labcorp Genetics (formerly Invitae), Labcorp
Classification: Uncertain significance. Last evaluated: 2026-01-06. Review status: criteria provided, single submitter. Criteria: Invitae Variant Classification Sherloc (09022015). Collection method: clinical testing. Allele origin: germline.
Comment: This sequence change replaces aspartic acid, which is acidic and polar, with glycine, which is neutral and non-polar, at codon 159 of the CTNNA1 protein (p.Asp159Gly). This variant is present in population databases (rs533573408, gnomAD 0.03%). This variant has not been reported in the literature in individuals affected with CTNNA1-related conditions. ClinVar contains an entry for this variant (Variation ID: 639413). Invitae Evidence Modeling of protein sequence and biophysical properties (such as structural, functional, and spatial information, amino acid conservation, physicochemical variation, residue mobility, and thermodynamic stability) indicates that this missense variant is not expected to disrupt CTNNA1 protein function with a negative predictive value of 80%. In summary, the available evidence is currently insufficient to determine the role of this variant in disease. Therefore, it has been classified as a Variant of Uncertain Significance.

GeneDx
Classification: Uncertain significance. Last evaluated: 2024-05-14. Review status: criteria provided, single submitter. Criteria: GeneDx Variant Classification Process June 2021. Collection method: clinical testing. Allele origin: germline. Affected: yes.
Comment: In silico analysis indicates that this missense variant does not alter protein structure/function; Observed in individuals referred for hereditary cancer multi-gene panel testing (PMID: 32051609); This variant is associated with the following publications: (PMID: 32051609)

Ambry Genetics
Classification: Likely benign for Hereditary cancer-predisposing syndrome. Last evaluated: 2023-05-01. Review status: criteria provided, single submitter. Criteria: Ambry Variant Classification Scheme 2023. Collection method: clinical testing. Allele origin: germline.

Literature cited by the submitters: PubMed 32051609 (cited by Ambry Genetics).